The following is an entry in ClinVar:

ClinVar aggregate classification (germline): Pathogenic (1 of 4 stars; one submission).

Conditions:
Arrhythmogenic cardiomyopathy with wooly hair and keratoderma. Also called: Dilated cardiomyopathy with woolly hair and keratoderma; Arrhythmogenic cardiomyopathy with woolly hair and keratoderma; PALMOPLANTAR KERATODERMA WITH LEFT VENTRICULAR CARDIOMYOPATHY AND WOOLLY HAIR; Carvajal syndrome. Identifiers: Orphanet 65282, MedGen C1854063, MONDO:0011581, OMIM 605676.
Arrhythmogenic right ventricular dysplasia 8 (ARVD8). Also called: Arrhythmogenic Right Ventricular Dysplasia/Cardiomyopathy 8; ARRHYTHMOGENIC RIGHT VENTRICULAR DYSPLASIA, FAMILIAL, 8; ARRHYTHMOGENIC RIGHT VENTRICULAR CARDIOMYOPATHY 8. Identifiers: MedGen C1843896, MONDO:0011831, OMIM 607450.

Submission:

Labcorp Genetics (formerly Invitae), Labcorp
Classification: Pathogenic for Arrhythmogenic cardiomyopathy with wooly hair and keratoderma; Arrhythmogenic right ventricular dysplasia 8. Last evaluated: 2021-11-20. Review status: criteria provided, single submitter. Criteria: Invitae Variant Classification Sherloc (09022015). Collection method: clinical testing. Allele origin: germline.
Comment: This sequence change creates a premature translational stop signal (p.Gln1944*) in the DSP gene. While this is not anticipated to result in nonsense mediated decay, it is expected to disrupt the last 928 amino acid(s) of the DSP protein. This variant is not present in population databases (gnomAD no frequency). This variant has not been reported in the literature in individuals affected with DSP-related conditions. This variant disrupts a region of the DSP protein in which other variant(s) (p.Glu2728Glyfs*11) have been determined to be pathogenic (PMID: 21859740, 28527814; Invitae). This suggests that this is a clinically significant region of the protein, and that variants that disrupt it are likely to be disease-causing. For these reasons, this variant has been classified as Pathogenic.

Literature cited by the submitters: PubMed 21859740; PubMed 28527814.

NM_004415.4(DSP):c.5830C>T (p.Gln1944Ter)

Gene: DSP (desmoplakin; plus strand). Cytogenetic location: 6p24.3.
Variant type: single nucleotide variant.
Coding change: c.5830C>T on transcript NM_004415.4 (MANE Select); coding-DNA position 5830, C replaced by T.
Protein change: p.Gln1944Ter; replaces glutamine 1944 with a stop codon.
Molecular consequence: nonsense.
Genome position (GRCh38, 1-based): chr6:7,583,092, C>T. VCF-style: chr6-7583092-C-T. GRCh37 (hg19) VCF-style: chr6-7583325-C-T.
Other names: c.4033C>T, p.Gln1345Ter (NM_001008844.3); c.4501C>T, p.Gln1501Ter (NM_001319034.2); short protein forms Q1944*, Q1345*, Q1501*.
Identifiers: ClinVar variation 1352033 (VCV001352033.6), dbSNP rs2113698863, ClinGen allele CA362689506.